The following is an entry in ClinVar:

ClinVar aggregate classification (germline): Uncertain significance (1 of 4 stars; one submission).

Conditions:
Dilated cardiomyopathy 1G (CMD1G). Identifiers: Orphanet 154, MedGen C1858763, MONDO:0011400, OMIM 604145.
Autosomal recessive limb-girdle muscular dystrophy type 2J (LGMDR10). Also called: Limb-girdle muscular dystrophy, type 2J; MUSCULAR DYSTROPHY, LIMB-GIRDLE, AUTOSOMAL RECESSIVE 10. Identifiers: Orphanet 140922, MedGen C1837342, MONDO:0012127, OMIM 608807.

Submission:

Labcorp Genetics (formerly Invitae), Labcorp
Classification: Uncertain significance for Dilated cardiomyopathy 1G; Autosomal recessive limb-girdle muscular dystrophy type 2J. Last evaluated: 2022-10-28. Review status: criteria provided, single submitter. Criteria: Invitae Variant Classification Sherloc (09022015). Collection method: clinical testing. Allele origin: germline.
Comment: Variants that disrupt the consensus splice site are a relatively common cause of aberrant splicing (PMID: 17576681, 9536098). Algorithms developed to predict the effect of sequence changes on RNA splicing suggest that this variant may disrupt the consensus splice site. This sequence change falls in intron 142 of the TTN gene. It does not directly change the encoded amino acid sequence of the TTN protein. It affects a nucleotide within the consensus splice site. This variant is not present in population databases (gnomAD no frequency). This variant has not been reported in the literature in individuals affected with TTN-related conditions. This variant is located in the I band of TTN (PMID: 25589632). Variants in this region may be clinically relevant, but have not been definitively shown to cause cardiomyopathy or neuromuscular disease (PMID: 27493940, 32778822). In summary, the available evidence is currently insufficient to determine the role of this variant in disease. Therefore, it has been classified as a Variant of Uncertain Significance.

Literature cited by the submitters: PubMed 17576681; PubMed 9536098; PubMed 25589632; PubMed 27493940; PubMed 32778822.

NM_001267550.2(TTN):c.33742+3A>G

Gene: TTN (titin; minus strand). Cytogenetic location: 2q31.2.
Variant type: single nucleotide variant.
Coding change: c.33742+3A>G on transcript NM_001267550.2 (MANE Select); 3 bases into the intron after coding-DNA position 33742, A replaced by G.
Molecular consequence: intron variant.
Genome position (GRCh38, 1-based): chr2:178,679,336, T>C on the plus strand (A>G on the coding strand, the complement: TTN is on the minus strand). VCF-style: chr2-178679336-T-C. GRCh37 (hg19) VCF-style: chr2-179544063-T-C.
Other names: c.13283-37019A>G (NM_003319.4); c.13859-37019A>G (NM_133437.4); c.13658-37019A>G (NM_133432.3); c.30010+3A>G (NM_133378.4); c.32791+3A>G (NM_001256850.1).
Identifiers: ClinVar variation 1973460 (VCV001973460.5), dbSNP rs2473878559, ClinGen allele CA2580065009.